The following is an entry in ClinVar:

NM_000823.4(GHRHR):c.760G>A (p.Val254Met)

Gene: GHRHR (growth hormone releasing hormone receptor; plus strand). Cytogenetic location: 7p14.3.
Variant type: single nucleotide variant.
Coding change: c.760G>A on transcript NM_000823.4 (MANE Select); coding-DNA position 760, G replaced by A.
Protein change: p.Val254Met; replaces valine 254 with methionine.
Molecular consequence: missense variant.
Genome position (GRCh38, 1-based): chr7:30,974,437, G>A. VCF-style: chr7-30974437-G-A. GRCh37 (hg19) VCF-style: chr7-31014052-G-A.
Other names: short protein forms V254M.
Identifiers: ClinVar variation 912022 (VCV000912022.4), dbSNP rs375562610, ClinGen allele CA4208646.
Genomic context (GRCh38, chr7:30,974,437, plus strand): 5'-CAGAGTCAAGGATGCAGACTCCCTCGCTTGTGTCTTCCCTGTACTCCTGTAGGGCTGCCC[G>A]TGCTCTTCACTGGCACGTGGGTGAGCTGCAAACTGGCCTTCGAGGACATCGCGTGAGTCG-3'
Protein context (NP_000814.2, residues 244-264): WLVLAGWGLP[Val254Met]LFTGTWVSCK

ClinVar aggregate classification (germline): Uncertain significance (1 of 4 stars; one submission).

Conditions:
Isolated growth hormone deficiency type IB (IGHD1B). Also called: IGHD IB; IGHD 1B. Identifiers: Orphanet 231671, Orphanet 631, MedGen C2748571, MONDO:0013006, OMIM 612781.

Allele frequency attached by ClinVar (database versions not stated): ExAC 0.00001; gnomAD exomes 0.00001; TOPMed 0.00002; gnomAD 0.00003; ESP Exome Variant Server 0.00008.
gnomAD v4.1: 23 of 1,611,062 alleles (0.0014%); highest among the groups gnomAD compares: Non-Finnish European, 0.0018%; no homozygotes.

Submission:

Illumina Laboratory Services, Illumina
Classification: Uncertain significance for Isolated growth hormone deficiency type IB. Last evaluated: 2017-04-28. Review status: criteria provided, single submitter. Criteria: ICSL Variant Classification Criteria 13 December 2019. Collection method: clinical testing. Allele origin: germline.
Comment: This variant was observed as part of a predisposition screen in an ostensibly healthy population. A literature search was performed for the gene, cDNA change, and amino acid change (where applicable). Publications were found based on this search. However, the evidence from the literature, in combination with allele frequency data from public databases where available, was not sufficient to rule this variant in or out of causing disease. Therefore, this variant is classified as a variant of unknown significance.

Literature cited by the submitters: PubMed 11502843.